The following is an entry in ClinVar:

ClinVar aggregate classification (germline): Pathogenic (1 of 4 stars; one submission).

Conditions:
46,XY sex reversal 1. Also called: SRY-related 46,XY complete gonadal dysgenesis; 46,XY SEX REVERSAL, SRY-RELATED. Identifiers: Orphanet 242, MedGen C2748896, MONDO:0020712, OMIM 400044.

Submission:

Labcorp Genetics (formerly Invitae), Labcorp
Classification: Pathogenic for 46,XY sex reversal 1. Last evaluated: 2023-12-22. Review status: criteria provided, single submitter. Criteria: Invitae Variant Classification Sherloc (09022015). Collection method: clinical testing. Allele origin: unknown.
Comment: A gross deletion of the genomic region encompassing the full coding sequence of the SRY gene has been identified. Loss-of-function variants in SRY are known to be pathogenic (PMID: 1734522, 24003159). The boundaries of this event are unknown as they extend beyond the assayed region for this gene and therefore may encompass additional genes. This variant has not been reported in the literature in individuals affected with SRY-related conditions. For these reasons, this variant has been classified as Pathogenic.

Literature cited by the submitters: PubMed 1734522; PubMed 24003159.

NC_000024.9:g.(?_2654792)_(2655895_?)del

Gene: SRY (sex determining region Y; minus strand). Cytogenetic location: Yp11.31.
Variant type: Deletion.
Identifiers: ClinVar variation 3242611 (VCV003242611.1).